The following is an entry in ClinVar:

ClinVar aggregate classification (germline): Likely benign (1 of 4 stars; one submission).

Conditions:
SPNS2-related disorder. Also called: SPNS2-related condition.

gnomAD v4.1: 2 of 1,003,418 alleles (0.0002%); highest among the groups gnomAD compares: Non-Finnish European, 0.00012%; no homozygotes.

Submission:

PreventionGenetics, part of Exact Sciences
Classification: Likely benign for SPNS2-related condition. Last evaluated: 2025-01-06. Review status: criteria provided, single submitter. Criteria: ACMG Guidelines, 2015. Collection method: clinical testing. Allele origin: germline.
Comment: This variant is classified as likely benign based on ACMG/AMP sequence variant interpretation guidelines (Richards et al. 2015 PMID: 25741868, with internal and published modifications).

NM_001124758.3(SPNS2):c.-8G>A

Genes: SPNS2 (SPNS lysolipid transporter 2, sphingosine-1-phosphate; plus strand), SPNS2-AS1 (SPNS2 antisense RNA 1; minus strand). Cytogenetic location: 17p13.2.
Variant type: single nucleotide variant.
Coding change: c.-8G>A on transcript NM_001124758.3 (MANE Select); 8 bases upstream of the start codon, G replaced by A.
Molecular consequence: 5 prime UTR variant.
Genome position (GRCh38, 1-based): chr17:4,499,040, G>A. VCF-style: chr17-4499040-G-A. GRCh37 (hg19) VCF-style: chr17-4402335-G-A.
Identifiers: ClinVar variation 4988034 (VCV004988034.1).